The following is an entry in ClinVar:

NM_000038.6(APC):c.2510C>A (p.Ser837Ter)

Gene: APC (APC regulator of WNT signaling pathway; plus strand). Cytogenetic location: 5q22.2.
Variant type: single nucleotide variant.
Coding change: c.2510C>A on transcript NM_000038.6 (MANE Select); coding-DNA position 2510, C replaced by A.
Protein change: p.Ser837Ter; replaces serine 837 with a stop codon.
Molecular consequence: nonsense.
Genome position (GRCh38, 1-based): chr5:112,838,104, C>A. VCF-style: chr5-112838104-C-A. GRCh37 (hg19) VCF-style: chr5-112173801-C-A.
Other names: c.2510C>A, p.Ser837Ter (NM_001127510.3, NM_001354895.2); c.2456C>A, p.Ser819Ter (NM_001127511.3); c.2564C>A, p.Ser855Ter (NM_001354896.2); c.2540C>A, p.Ser847Ter (NM_001354897.2); c.2435C>A, p.Ser812Ter (NM_001354898.2); c.2426C>A, p.Ser809Ter (NM_001354899.2); c.2387C>A, p.Ser796Ter (NM_001354900.2); c.2333C>A, p.Ser778Ter (NM_001354901.2); and 5 more; short protein forms S819*, S837*, S746*, S778*, S796*, S809*, S855*, S554*.
Identifiers: ClinVar variation 83238 (VCV000083238.2), dbSNP rs79512956, ClinGen allele CA007545.

ClinVar aggregate classification (germline): other (0 of 4 stars; one submission).

Conditions:
Familial colorectal cancer. Identifiers: MedGen CN280943, MONDO:0023113. Disease mechanism: loss of function.

Submission:

Systems Biology Platform Zhejiang California International NanoSystems Institute
Classification: other for Familial colorectal cancer. Review status: no assertion criteria provided. Collection method: not provided. Allele origin: unknown.
ClinVar note: Converted during submission from cancer to other.